The following is an entry in ClinVar:

NM_000088.4(COL1A1):c.930_931del (p.Gly311fs)

Genes: COL1A1 (collagen type I alpha 1 chain; minus strand), LOC126862586 (CDK7 strongly-dependent group 2 enhancer GRCh37_chr17:48273702-48274901; plus strand). Cytogenetic location: 17q21.33.
Variant type: Microsatellite.
Coding change: c.930_931del on transcript NM_000088.4 (MANE Select); coding-DNA positions 930 to 931, 2 bases deleted (AG; older notation c.930_931delAG).
Protein change: p.Gly311fs; shifts the reading frame from glycine 311.
Molecular consequence: frameshift variant.
Genome position (GRCh38, 1-based): chr17:50,196,340-50,196,341, CT deleted on the plus strand (AG on the coding strand, the reverse complement: COL1A1 is on the minus strand); deleting any 2 consecutive bases within chr17:50,196,340-50,196,346 gives the same sequence; the c. name uses the placement nearest the transcript's 3' end. VCF-style (leftmost placement, unchanged base first): chr17-50196339-CCT-C. GRCh37 (hg19) VCF-style: chr17-48273700-CCT-C.
Other names: short protein forms G311fs.
Identifiers: ClinVar variation 2822727 (VCV002822727.3), dbSNP rs2509235377, ClinGen allele CA2739268237.

ClinVar aggregate classification (germline): Pathogenic (1 of 4 stars; one submission).

Conditions:
Osteogenesis imperfecta type I (OI1). Also called: OI, TYPE I; OSTEOGENESIS IMPERFECTA TARDA; OSTEOGENESIS IMPERFECTA WITH BLUE SCLERAE; Osteogenesis imperfecta type 1; Lobstein's Disease; Lobstein disease. Identifiers: Orphanet 216796, Orphanet 666, MedGen C0023931, MONDO:0008146, OMIM 166200. Disease mechanism: loss of function.

Submission:

Labcorp Genetics (formerly Invitae), Labcorp
Classification: Pathogenic for Osteogenesis imperfecta type I. Last evaluated: 2022-12-20. Review status: criteria provided, single submitter. Criteria: Invitae Variant Classification Sherloc (09022015). Collection method: clinical testing. Allele origin: germline.
Comment: For these reasons, this variant has been classified as Pathogenic. This variant has not been reported in the literature in individuals affected with COL1A1-related conditions. This variant is not present in population databases (gnomAD no frequency). This sequence change creates a premature translational stop signal (p.Gly311Serfs*14) in the COL1A1 gene. It is expected to result in an absent or disrupted protein product. Loss-of-function variants in COL1A1 are known to be pathogenic (PMID: 7942841, 9295084, 9443882).

Literature cited by the submitters: PubMed 7942841; PubMed 9295084; PubMed 9443882.